The following is an entry in ClinVar:

NM_000169.3(GLA):c.146G>T (p.Arg49Leu)

Genes: GLA (galactosidase alpha; minus strand), RPL36A-HNRNPH2 (RPL36A-HNRNPH2 readthrough; plus strand). Cytogenetic location: Xq22.1.
Variant type: single nucleotide variant.
Coding change: c.146G>T on transcript NM_000169.3 (MANE Select); coding-DNA position 146, G replaced by T.
Protein change: p.Arg49Leu; replaces arginine 49 with leucine.
Molecular consequence: missense variant. On other transcripts: non-coding transcript variant (3), intron variant (2).
Genome position (GRCh38, 1-based): chrX:101,407,758, C>A on the plus strand (G>T on the coding strand, the complement: GLA is on the minus strand). VCF-style: chrX-101407758-C-A. GRCh37 (hg19) VCF-style: chrX-100662746-C-A.
Other names: c.146G>T, p.Arg49Leu (NM_001406747.1, NM_001406748.1, NM_001406749.1); c.301-4178C>A (NM_001199973.2); c.178-4178C>A (NM_001199974.2); short protein forms R49L.
Identifiers: ClinVar variation 4087275 (VCV004087275.2).

ClinVar aggregate classification (germline): Pathogenic (1 of 4 stars; one submission).

Conditions:
Fabry disease. Also called: ALPHA-GALACTOSIDASE A DEFICIENCY; ANDERSON-FABRY DISEASE; CERAMIDE TRIHEXOSIDASE DEFICIENCY; GLA DEFICIENCY; HEREDITARY DYSTOPIC LIPIDOSIS; Angiokeratoma corporis diffusum. Identifiers: Orphanet 324, MedGen C0002986, MONDO:0010526, OMIM 301500, HP:0001071. Disease mechanism: Fabry disease is due to inactivating mutations in the X-linked GLA gene resulting in deficiency of the enzyme Alpha Galactosidase-A., loss of function.

Submission:

Genomenon, Inc
Classification: Pathogenic for Fabry disease. Last evaluated: 2026-09-08. Review status: criteria provided, single submitter. Criteria: Genomenon Sequence Variant Interpretation Standards - Updated. Collection method: curation. Allele origin: germline. Affected: yes.
Comment: GLA p.Arg49Leu (c.146G>T) is a missense variant that changes the amino acid at codon 49 from Arginine to Leucine. This variant has been observed in at least one proband with clinical features consistent with Fabry disease (PMID:8069316;29621274). At least one functional study has demonstrated a substantial alteration in protein function relative to the wild-type (PMID:21598360;27657681). This variant is located in a mutational hotspot and/or important functional domain. It is absent or not present at a significant frequency in gnomAD. In silico models predict that this variant is possibly or probably damaging. In conclusion, we classify GLA p.Arg49Leu (c.146G>T) as a pathogenic variant.

Literature cited by the submitters: PubMed 8069316; PubMed 29621274; PubMed 21598360; PubMed 27657681.